The following is an entry in ClinVar:

NM_001130082.3(PLXNB1):c.1917G>T (p.Ala639=)

Gene: PLXNB1 (plexin B1; minus strand). Cytogenetic location: 3p21.31.
Variant type: single nucleotide variant.
Coding change: c.1917G>T on transcript NM_001130082.3 (MANE Select); coding-DNA position 1917, G replaced by T.
Protein change: p.Ala639=; no amino-acid change (alanine 639 retained).
Molecular consequence: synonymous variant.
Genome position (GRCh38, 1-based): chr3:48,420,850, C>A on the plus strand (G>T on the coding strand, the complement: PLXNB1 is on the minus strand). VCF-style: chr3-48420850-C-A. GRCh37 (hg19) VCF-style: chr3-48462259-C-A.
Other names: c.1917G>T, p.Ala639= (NM_002673.6).
Identifiers: ClinVar variation 2653790 (VCV002653790.24), dbSNP rs773208409, ClinGen allele CA2374968.

ClinVar aggregate classification (germline): Likely benign (1 of 4 stars; one submission).

gnomAD v4.1: 6 of 1,613,278 alleles (0.00037%); highest among the groups gnomAD compares: Non-Finnish European, 0.00051%; no homozygotes.

Submission:

CeGaT Center for Human Genetics Tuebingen
Classification: Likely benign. Last evaluated: 2022-07-01. Review status: criteria provided, single submitter. Criteria: CeGaT Center For Human Genetics Tuebingen Variant Classification Criteria Version 2. Collection method: clinical testing. Allele origin: germline. Affected: yes. Observed: 1 variant allele.
Comment: PLXNB1: BP4, BP7